The following is an entry in ClinVar:

ClinVar aggregate classification (germline): Uncertain significance (1 of 4 stars; one submission).

Conditions:
Cardiovascular phenotype. Identifiers: MedGen CN230736.

Allele frequency attached by ClinVar (database versions not stated): gnomAD exomes 0.00002.
gnomAD v4.1: 13 of 1,614,170 alleles (0.00081%); highest among the groups gnomAD compares: Non-Finnish European, 0.0011%; no homozygotes.

Submission:

Ambry Genetics
Classification: Uncertain significance for Cardiovascular phenotype. Last evaluated: 2023-09-11. Review status: criteria provided, single submitter. Criteria: Ambry Variant Classification Scheme 2023. Collection method: clinical testing. Allele origin: germline.
Comment: The p.Q360H variant (also known as c.1080G>C), located in coding exon 6 of the LMNA gene, results from a G to C substitution at nucleotide position 1080. The glutamine at codon 360 is replaced by histidine, an amino acid with highly similar properties. This amino acid position is highly conserved in available vertebrate species. In addition, this alteration is predicted to be deleterious by in silico analysis. Since supporting evidence is limited at this time, the clinical significance of this alteration remains unclear.

NM_170707.4(LMNA):c.1080G>C (p.Gln360His)

Gene: LMNA (lamin A/C; plus strand). Cytogenetic location: 1q22.
Variant type: single nucleotide variant.
Coding change: c.1080G>C on transcript NM_170707.4 (MANE Select); coding-DNA position 1080, G replaced by C.
Protein change: p.Gln360His; replaces glutamine 360 with histidine.
Molecular consequence: missense variant.
Genome position (GRCh38, 1-based): chr1:156,136,044, G>C. VCF-style: chr1-156136044-G-C. GRCh37 (hg19) VCF-style: chr1-156105835-G-C.
Other names: c.744G>C, p.Gln248His (NM_001257374.3, NM_001406989.1, NM_001406998.1); c.837G>C, p.Gln279His (NM_001282624.2, NM_001406986.1, NM_001406987.1); c.1080G>C, p.Gln360His (NM_001282625.2, NM_001282626.2, NM_001406983.1 and 6 more transcripts); c.783G>C, p.Gln261His (NM_001406988.1); c.522G>C, p.Gln174His (NM_001406990.1, NM_001406993.1, NM_001406995.1 and 4 more transcripts); c.456G>C, p.Gln152His (NM_001406994.1, NM_001406999.1, NM_001407000.1 and 1 more transcripts); short protein forms Q152H, Q261H, Q360H, Q174H, Q248H, Q279H.
Identifiers: ClinVar variation 1786412 (VCV001786412.3), dbSNP rs2527992234, ClinGen allele CA342820338.